The following is an entry in ClinVar:

ClinVar aggregate classification (germline): Uncertain significance (1 of 4 stars; one submission).

Conditions:
Neurodevelopmental disorder with hypotonia, stereotypic hand movements, and impaired language. Also called: Intellectual disability, autosomal dominant 20. Identifiers: Orphanet 228384, Orphanet 664410, MedGen C3150700, MONDO:0013266, OMIM 613443.

Submission:

Labcorp Genetics (formerly Invitae), Labcorp
Classification: Uncertain significance for Neurodevelopmental disorder with hypotonia, stereotypic hand movements, and impaired language. Last evaluated: 2024-12-02. Review status: criteria provided, single submitter. Criteria: Invitae Variant Classification Sherloc (09022015). Collection method: clinical testing. Allele origin: germline.
Comment: This sequence change replaces arginine, which is basic and polar, with glycine, which is neutral and non-polar, at codon 24 of the MEF2C protein (p.Arg24Gly). This variant is not present in population databases (gnomAD no frequency). This variant has not been reported in the literature in individuals affected with MEF2C-related conditions. Invitae Evidence Modeling of protein sequence and biophysical properties (such as structural, functional, and spatial information, amino acid conservation, physicochemical variation, residue mobility, and thermodynamic stability) indicates that this missense variant is expected to disrupt MEF2C protein function with a positive predictive value of 80%. This variant disrupts the p.Arg24 amino acid residue in MEF2C. Other variant(s) that disrupt this residue have been determined to be pathogenic (PMID: 28554332). This suggests that this residue is clinically significant, and that variants that disrupt this residue are likely to be disease-causing. In summary, the available evidence is currently insufficient to determine the role of this variant in disease. Therefore, it has been classified as a Variant of Uncertain Significance.

Literature cited by the submitters: PubMed 28554332.

NM_002397.5(MEF2C):c.70A>G (p.Arg24Gly)

Gene: MEF2C (myocyte enhancer factor 2C; minus strand). Cytogenetic location: 5q14.3.
Variant type: single nucleotide variant.
Coding change: c.70A>G on transcript NM_002397.5 (MANE Select); coding-DNA position 70, A replaced by G.
Protein change: p.Arg24Gly; replaces arginine 24 with glycine.
Molecular consequence: missense variant.
Genome position (GRCh38, 1-based): chr5:88,804,786, T>C on the plus strand (A>G on the coding strand, the complement: MEF2C is on the minus strand). VCF-style: chr5-88804786-T-C. GRCh37 (hg19) VCF-style: chr5-88100603-T-C.
Other names: c.70A>G, p.Arg24Gly (NM_001364348.2, NM_001364349.2, NM_001364350.2 and 29 more transcripts); short protein forms R24G.
Identifiers: ClinVar variation 3721130 (VCV003721130.2).